The following is an entry in ClinVar:

NM_001378452.1(ITPR1):c.4252G>A (p.Val1418Met)

Gene: ITPR1 (inositol 1,4,5-trisphosphate receptor type 1; plus strand). Cytogenetic location: 3p26.1.
Variant type: single nucleotide variant.
Coding change: c.4252G>A on transcript NM_001378452.1 (MANE Select); coding-DNA position 4252, G replaced by A.
Protein change: p.Val1418Met; replaces valine 1418 with methionine.
Molecular consequence: missense variant.
Genome position (GRCh38, 1-based): chr3:4,693,712, G>A. VCF-style: chr3-4693712-G-A. GRCh37 (hg19) VCF-style: chr3-4735396-G-A.
Other names: c.4225G>A, p.Val1409Met (NM_001099952.4); c.4207G>A, p.Val1403Met (NM_001168272.2); c.4180G>A, p.Val1394Met (NM_002222.7); short protein forms V1394M, V1409M, V1418M, V1403M.
Identifiers: ClinVar variation 2884389 (VCV002884389.3), dbSNP rs754747856, ClinGen allele CA2231921.

ClinVar aggregate classification (germline): Uncertain significance (1 of 4 stars; one submission).

Allele frequency attached by ClinVar (database versions not stated): gnomAD 0.00001; gnomAD exomes 0.00001; TOPMed 0.00001; ExAC 0.00005.
gnomAD v4.1: 15 of 1,613,370 alleles (0.00093%); highest among the groups gnomAD compares: East Asian, 0.0022%; no homozygotes.

Submission:

Labcorp Genetics (formerly Invitae), Labcorp
Classification: Uncertain significance. Last evaluated: 2023-05-05. Review status: criteria provided, single submitter. Criteria: Invitae Variant Classification Sherloc (09022015). Collection method: clinical testing. Allele origin: germline.
Comment: This sequence change replaces valine, which is neutral and non-polar, with methionine, which is neutral and non-polar, at codon 1394 of the ITPR1 protein (p.Val1394Met). This variant is present in population databases (rs754747856, gnomAD 0.006%). This variant has not been reported in the literature in individuals affected with ITPR1-related conditions. Advanced modeling of protein sequence and biophysical properties (such as structural, functional, and spatial information, amino acid conservation, physicochemical variation, residue mobility, and thermodynamic stability) performed at Invitae indicates that this missense variant is not expected to disrupt ITPR1 protein function. In summary, the available evidence is currently insufficient to determine the role of this variant in disease. Therefore, it has been classified as a Variant of Uncertain Significance.